The following is an entry in ClinVar:

ClinVar aggregate classification (germline): Pathogenic. Review status: criteria provided, multiple submitters, no conflicts (2 of 4 stars). 7 submissions from 7 submitters: Pathogenic (7). Last evaluated 2024-12-17.

Conditions:
Inborn genetic diseases. Identifiers: MedGen C0950123, MeSH D030342.
Koolen-de Vries syndrome (KDVS). Identifiers: Orphanet 96169, MedGen C1864871, MONDO:0012496, OMIM 610443.
Intellectual disability. Also called: Intellectual developmental disorder; Intellectual functioning disability; intellectual disabilities. Identifiers: MedGen C3714756, MeSH D008607, MONDO:0001071, HP:0001249.

gnomAD v4.1: 3 of 1,614,156 alleles (0.00019%); highest among the groups gnomAD compares: Non-Finnish European, 0.00025%; no homozygotes.

Submissions (7):

GeneDx
Classification: Pathogenic. Last evaluated: 2024-12-17. Review status: criteria provided, single submitter. Criteria: GeneDx Variant Classification Process June 2021. Collection method: clinical testing. Allele origin: germline. Affected: yes.
Comment: Note that inversion polymorphisms exist at 17q21.31 which contain partial duplications of the KANSL1 gene and produce novel KANSL1 transcripts. It is unknown if this variant is present in the primary transcript of the KANSL1 gene or an alternate transcript from the duplicated haplotype. (PMID: 22751096); Not observed at significant frequency in large population cohorts (gnomAD); Nonsense variant predicted to result in protein truncation or nonsense mediated decay in a gene for which loss of function is a known mechanism of disease; This variant is associated with the following publications: (PMID: 33393407, 26424144, 32371413, 36529818, 22751096)

Ambry Genetics
Classification: Pathogenic for Inborn genetic diseases. Last evaluated: 2024-04-05. Review status: criteria provided, single submitter. Criteria: Ambry Variant Classification Scheme 2023. Collection method: clinical testing. Allele origin: germline.
Comment: The c.1042C>T (p.R348*) alteration, located in exon 2 (coding exon 1) of the KANSL1 gene, consists of a C to T substitution at nucleotide position 1042. This changes the amino acid from an arginine (R) to a stop codon at amino acid position 348. This alteration is expected to result in loss of function by premature protein truncation or nonsense-mediated mRNA decay. This variant was not reported in population-based cohorts in the Genome Aggregation Database (gnomAD). This variant has been detected in multiple individuals with Koolen-de Vries syndrome, including multiple cases of reported de novo occurrence (Zollino, 2015; Miller, 2020; St John, 2022). Based on the available evidence, this alteration is classified as pathogenic.

Institute of Human Genetics, University of Leipzig Medical Center
Classification: Pathogenic for Koolen-de Vries syndrome. Last evaluated: 2021-08-30. Review status: criteria provided, single submitter. Criteria: ACMG Guidelines, 2015. Collection method: clinical testing. Allele origin: paternal. Affected: yes.

Diagnostic Laboratory, Strasbourg University Hospital
Classification: Pathogenic for Intellectual disability. Last evaluated: 2020-04-20. Review status: criteria provided, single submitter. Criteria: ACMG Guidelines, 2015. Collection method: clinical testing. Allele origin: de novo. Inheritance: Autosomal dominant inheritance. Affected: yes. Observed: 1 heterozygote.

SIB Swiss Institute of Bioinformatics
Classification: Pathogenic for Koolen-de Vries syndrome. Last evaluated: 2019-06-05. Review status: criteria provided, single submitter. Criteria: ACMG Guidelines, 2015. Collection method: curation. Allele origin: unknown.
Comment: This variant is interpreted as a Pathogenic for Koolen-De Vries syndrome, autosomal dominant. The following ACMG Tag(s) were applied: PM2: Absent from controls (or at extremely low frequency if recessive) in Exome Sequencing Project, 1000 Genomes Project, or Exome Aggregation Consortium. PM6: Assumed de novo, but without confirmation of paternity and maternity. PVS1: Predicted nullvariant in a gene where LOF is a known mechanism of disease.

Institute for Genomic Medicine (IGM) Clinical Laboratory, Nationwide Children's Hospital
Classification: Pathogenic for Koolen-de Vries syndrome. Last evaluated: 2018-05-31. Review status: criteria provided, single submitter. Criteria: ACMG Guidelines, 2015. Collection method: clinical testing. Allele origin: germline. Affected: yes.
Comment: [ACMG/AMP: PVS1, PS2, PM2, PP5] This alteration is a null variant in a gene where LOF is a known mechanism of disease [PVS1], is de novo in origin as it was not detected in the submitted parental specimens (identity confirmed) [PS2], is absent from or rarely observed in large-scale population databases [PM2], was reported as a pathogenic/likely pathogenic alteration by a reputable source (ClinVar or other correspondence from a clinical testing laboratory) [PP5].

Kasturba Medical College, Manipal, Kasturba Medical College, Manipal, Manipal Academy of Higher Education, Manipal, India
Classification: Pathogenic for Koolen-de Vries syndrome. Review status: criteria provided, single submitter. Criteria: ACMG Guidelines, 2015. Collection method: research. Allele origin: de novo. Inheritance: Autosomal dominant inheritance. Affected: yes. Observed: 1 heterozygote.
Comment: The variant is present in three individuals in heterozygous state and absent in homozygous state in gnomAD (v4.1.0). The variant is not present in homozygous and/or heterozygous state in our in-house database of 3464 exomes. This variant is likely to result in a premature truncation of the transcript that can either lead to nonsense-mediated mRNA decay or the formation of a truncated protein product.

Literature cited by the submitters: PubMed 26424144 (cited by 3 submitters); PubMed 32371413 (cited by Ambry Genetics); PubMed 36529818 (cited by Ambry Genetics); PMC PMC11631005 (cited by Kasturba Medical College, Manipal, Kasturba Medical College, Manipal, Manipal Academy of Higher Education, Manipal, India).

NM_015443.4(KANSL1):c.1042C>T (p.Arg348Ter)

Gene: KANSL1 (KAT8 regulatory NSL complex subunit 1). Cytogenetic location: 17q21.31.
Variant type: single nucleotide variant.
Coding change: c.1042C>T on transcript NM_015443.4 (MANE Select); coding-DNA position 1042, C replaced by T.
Protein change: p.Arg348Ter; replaces arginine 348 with a stop codon.
Molecular consequence: nonsense.
Genome position (GRCh38, 1-based): chr17:46,171,102, G>A on the plus strand (C>T on the coding strand, the complement: KANSL1 is on the minus strand). VCF-style: chr17-46171102-G-A. GRCh37 (hg19) VCF-style: chr17-44248468-G-A.
Other names: c.1042C>T, p.Arg348Ter (NM_001193465.2, NM_001193466.2, NM_001379198.1); short protein forms R348*.
Identifiers: ClinVar variation 521688 (VCV000521688.13), dbSNP rs1427624649, ClinGen allele CA399979530.